The following is an entry in ClinVar:

ClinVar aggregate classification (germline): Uncertain significance (1 of 4 stars; one submission).

Allele frequency attached by ClinVar (database versions not stated): gnomAD exomes below 0.00001.
gnomAD v4.1: 1 of 1,609,698 alleles (0.000062%); highest among the groups gnomAD compares: Non-Finnish European, 0.000085%; no homozygotes.

Submission:

Labcorp Genetics (formerly Invitae), Labcorp
Classification: Uncertain significance. Last evaluated: 2023-07-12. Review status: criteria provided, single submitter. Criteria: Invitae Variant Classification Sherloc (09022015). Collection method: clinical testing. Allele origin: germline.
Comment: In summary, the available evidence is currently insufficient to determine the role of this variant in disease. Therefore, it has been classified as a Variant of Uncertain Significance. Algorithms developed to predict the effect of sequence changes on RNA splicing suggest that this variant may disrupt the consensus splice site. This variant has not been reported in the literature in individuals affected with STAT4-related conditions. This variant is not present in population databases (gnomAD no frequency). This sequence change affects codon 173 of the STAT4 mRNA. It is a 'silent' change, meaning that it does not change the encoded amino acid sequence of the STAT4 protein.

NM_003151.4(STAT4):c.519C>T (p.Tyr173=)

Gene: STAT4 (signal transducer and activator of transcription 4; minus strand). Cytogenetic location: 2q32.2.
Variant type: single nucleotide variant.
Coding change: c.519C>T on transcript NM_003151.4 (MANE Select); coding-DNA position 519, C replaced by T.
Protein change: p.Tyr173=; no amino-acid change (tyrosine 173 retained).
Molecular consequence: synonymous variant.
Genome position (GRCh38, 1-based): chr2:191,069,718, G>A on the plus strand (C>T on the coding strand, the complement: STAT4 is on the minus strand). VCF-style: chr2-191069718-G-A. GRCh37 (hg19) VCF-style: chr2-191934444-G-A.
Other names: c.519C>T, p.Tyr173= (NM_001243835.2).
Identifiers: ClinVar variation 2714066 (VCV002714066.3), dbSNP rs2470787849, ClinGen allele CA430340195.